The following is an entry in ClinVar:

ClinVar aggregate classification (germline): Uncertain significance. Review status: criteria provided, multiple submitters, no conflicts (2 of 4 stars). 2 submissions from 2 submitters: Uncertain significance (2). Last evaluated 2024-08-12.

Conditions:
Hereditary cancer-predisposing syndrome. Also called: Neoplastic Syndromes, Hereditary; Tumor predisposition; Hereditary Cancer Syndrome; Hereditary neoplastic syndrome. Identifiers: Orphanet 140162, MedGen C0027672, MeSH D009386, MONDO:0015356.
Fanconi anemia complementation group J. Also called: BRIP1-Related Fanconi Anemia. Identifiers: Orphanet 84, MedGen C1836860, MONDO:0012187, OMIM 609054.
Familial cancer of breast. Also called: Hereditary breast cancer; BREAST CANCER, FAMILIAL; hereditary breast carcinoma. Identifiers: Orphanet 227535, MedGen C0346153, MONDO:0016419, OMIM 114480. Disease mechanism: loss of function.

Submissions (2):

Labcorp Genetics (formerly Invitae), Labcorp
Classification: Uncertain significance for Familial cancer of breast; Fanconi anemia complementation group J. Last evaluated: 2024-08-12. Review status: criteria provided, single submitter. Criteria: Invitae Variant Classification Sherloc (09022015). Collection method: clinical testing. Allele origin: germline.
Comment: This sequence change replaces leucine, which is neutral and non-polar, with proline, which is neutral and non-polar, at codon 343 of the BRIP1 protein (p.Leu343Pro). This variant is not present in population databases (gnomAD no frequency). This variant has not been reported in the literature in individuals affected with BRIP1-related conditions. ClinVar contains an entry for this variant (Variation ID: 567948). Advanced modeling of protein sequence and biophysical properties (such as structural, functional, and spatial information, amino acid conservation, physicochemical variation, residue mobility, and thermodynamic stability) performed at Invitae indicates that this missense variant is expected to disrupt BRIP1 protein function with a positive predictive value of 80%. In summary, the available evidence is currently insufficient to determine the role of this variant in disease. Therefore, it has been classified as a Variant of Uncertain Significance.

Ambry Genetics
Classification: Uncertain significance for Hereditary cancer-predisposing syndrome. Last evaluated: 2023-04-18. Review status: criteria provided, single submitter. Criteria: Ambry Variant Classification Scheme 2023. Collection method: clinical testing. Allele origin: germline.
Comment: The p.L343P variant (also known as c.1028T>C), located in coding exon 7 of the BRIP1 gene, results from a T to C substitution at nucleotide position 1028. The leucine at codon 343 is replaced by proline, an amino acid with similar properties. This amino acid position is conserved. In addition, this alteration is predicted to be deleterious by in silico analysis. Since supporting evidence is limited at this time, the clinical significance of this alteration remains unclear.

NM_032043.3(BRIP1):c.1028T>C (p.Leu343Pro)

Gene: BRIP1 (BRCA1 interacting DNA helicase 1; minus strand). Cytogenetic location: 17q23.2.
Variant type: single nucleotide variant.
Coding change: c.1028T>C on transcript NM_032043.3 (MANE Select); coding-DNA position 1028, T replaced by C.
Protein change: p.Leu343Pro; replaces leucine 343 with proline.
Molecular consequence: missense variant.
Genome position (GRCh38, 1-based): chr17:61,801,365, A>G on the plus strand (T>C on the coding strand, the complement: BRIP1 is on the minus strand). VCF-style: chr17-61801365-A-G. GRCh37 (hg19) VCF-style: chr17-59878726-A-G.
Other names: short protein forms L343P.
Identifiers: ClinVar variation 567948 (VCV000567948.11), dbSNP rs1414803437, ClinGen allele CA400484081.
Genomic context (GRCh38, chr17:61,801,365, plus strand): 5'-TCAGCATCTTGTATTAGTTCTCGGGCTGTGTAATATGGACAGGCCTTTAGTTTCTTCCCC[A>G]GGCTGACAAGTTCTTCTATATCCCAGGCTTTGCACATCCCTTGGAAAGTCTGTAATGTGT-3'
Protein context (NP_114432.2, residues 333-353): KAWDIEELVS[Leu343Pro]GKKLKACPYY